The following is an entry in ClinVar:

ClinVar aggregate classification (germline): Uncertain significance (1 of 4 stars; one submission).

Conditions:
Symmetrical dyschromatosis of extremities (DSH). Also called: RETICULATE ACROPIGMENTATION OF DOHI; SYMMETRIC DYSCHROMATOSIS OF THE EXTREMITIES; Dyschromatosis symmetrica hereditaria; DYSCHROMATOSIS SYMMETRICA HEREDITARIA 1. Identifiers: Orphanet 41, MedGen C0406775, MONDO:0007483, OMIM 127400.
Aicardi-Goutieres syndrome 6 (AGS6). Identifiers: Orphanet 51, MedGen C3539013, MONDO:0014007, OMIM 615010.

Allele frequency attached by ClinVar (database versions not stated): gnomAD exomes below 0.00001.
gnomAD v4.1: 1 of 1,603,940 alleles (0.000062%); highest among the groups gnomAD compares: South Asian, 0.0011%; no homozygotes.

Submission:

Labcorp Genetics (formerly Invitae), Labcorp
Classification: Uncertain significance for Aicardi-Goutieres syndrome 6; Symmetrical dyschromatosis of extremities. Last evaluated: 2024-02-24. Review status: criteria provided, single submitter. Criteria: Invitae Variant Classification Sherloc (09022015). Collection method: clinical testing. Allele origin: germline.
Comment: This sequence change replaces glycine, which is neutral and non-polar, with valine, which is neutral and non-polar, at codon 92 of the ADAR protein (p.Gly92Val). This variant is not present in population databases (gnomAD no frequency). This variant has not been reported in the literature in individuals affected with ADAR-related conditions. ClinVar contains an entry for this variant (Variation ID: 1957935). An algorithm developed to predict the effect of missense changes on protein structure and function (PolyPhen-2) suggests that this variant is likely to be tolerated. In summary, the available evidence is currently insufficient to determine the role of this variant in disease. Therefore, it has been classified as a Variant of Uncertain Significance.

NM_001111.5(ADAR):c.275G>T (p.Gly92Val)

Gene: ADAR (adenosine deaminase RNA specific; minus strand). Cytogenetic location: 1q21.3.
Variant type: single nucleotide variant.
Coding change: c.275G>T on transcript NM_001111.5 (MANE Select); coding-DNA position 275, G replaced by T.
Protein change: p.Gly92Val; replaces glycine 92 with valine.
Molecular consequence: missense variant. On other transcripts: 5 prime UTR variant (3), intron variant (3).
Genome position (GRCh38, 1-based): chr1:154,602,367, C>A on the plus strand (G>T on the coding strand, the complement: ADAR is on the minus strand). VCF-style: chr1-154602367-C-A. GRCh37 (hg19) VCF-style: chr1-154574843-C-A.
Other names: c.-611G>T (NM_001025107.3, NM_001193495.2, NM_001365048.1); c.302G>T, p.Gly101Val (NM_001365045.1); c.275G>T, p.Gly92Val (NM_015840.4, NM_015841.4); c.-493+18G>T (NM_001365046.1, NM_001365049.1, NM_001365047.1); short protein forms G101V, G92V.
Identifiers: ClinVar variation 1957935 (VCV001957935.5), dbSNP rs1557889229, ClinGen allele CA342605081.
Genomic context (GRCh38, chr1:154,602,367, plus strand): 5'-GAAGGATGCTGGAACCCTCTCTGGAGCCCCTGACTTCTGAGATGCACGCCCCTGGGGACA[C>A]CCCTGATGTCCACTTGCCTGCCTCTGGTACTGGAGGCAAGTAGTACTGGAAACCTTGGCC-3'
Protein context (NP_001102.3, residues 82-102): STRGRQVDIR[Gly92Val]VPRGVHLRSQ